The following is an entry in ClinVar:

NM_198271.5(LMOD3):c.413G>A (p.Ser138Asn)

Gene: LMOD3 (leiomodin 3; minus strand). Cytogenetic location: 3p14.1.
Variant type: single nucleotide variant.
Coding change: c.413G>A on transcript NM_198271.5 (MANE Select); coding-DNA position 413, G replaced by A.
Protein change: p.Ser138Asn; replaces serine 138 with asparagine.
Molecular consequence: missense variant.
Genome position (GRCh38, 1-based): chr3:69,119,942, C>T on the plus strand (G>A on the coding strand, the complement: LMOD3 is on the minus strand). VCF-style: chr3-69119942-C-T. GRCh37 (hg19) VCF-style: chr3-69169093-C-T.
Other names: c.413G>A, p.Ser138Asn (NM_001304418.3); short protein forms S138N.
Identifiers: ClinVar variation 1501309 (VCV001501309.8), dbSNP rs2092399518, ClinGen allele CA353476877.

ClinVar aggregate classification (germline): Uncertain significance (1 of 4 stars; one submission).

Conditions:
Nemaline myopathy 10 (NEM10). Identifiers: MedGen C4015360, MONDO:0014513, OMIM 616165.

Allele frequency attached by ClinVar (database versions not stated): gnomAD exomes below 0.00001.

Submission:

Labcorp Genetics (formerly Invitae), Labcorp
Classification: Uncertain significance for Nemaline myopathy 10. Last evaluated: 2021-05-30. Review status: criteria provided, single submitter. Criteria: Invitae Variant Classification Sherloc (09022015). Collection method: clinical testing. Allele origin: germline.
Comment: In summary, the available evidence is currently insufficient to determine the role of this variant in disease. Therefore, it has been classified as a Variant of Uncertain Significance. Algorithms developed to predict the effect of missense changes on protein structure and function output the following: SIFT: "Tolerated"; PolyPhen-2: "Benign"; Align-GVGD: "Class C0". The asparagine amino acid residue is found in multiple mammalian species, suggesting that this missense change does not adversely affect protein function. These predictions have not been confirmed by published functional studies and their clinical significance is uncertain. This variant has not been reported in the literature in individuals with LMOD3-related conditions. This variant is not present in population databases (ExAC no frequency). This sequence change replaces serine with asparagine at codon 138 of the LMOD3 protein (p.Ser138Asn). The serine residue is weakly conserved and there is a small physicochemical difference between serine and asparagine.